The following is an entry in ClinVar:

ClinVar aggregate classification (germline): Uncertain significance (1 of 4 stars; one submission).

Submission:

Labcorp Genetics (formerly Invitae), Labcorp
Classification: Uncertain significance. Last evaluated: 2024-06-02. Review status: criteria provided, single submitter. Criteria: Invitae Variant Classification Sherloc (09022015). Collection method: clinical testing. Allele origin: germline.
Comment: This sequence change disrupts the translational stop signal of the PRPF31 mRNA. It is expected to extend the length of the PRPF31 protein by 23 additional amino acid residues. This variant is not present in population databases (gnomAD no frequency). This protein extension has been observed in individual(s) with retinitis pigmentosa (PMID: 33598457). In summary, the available evidence is currently insufficient to determine the role of this variant in disease. Therefore, it has been classified as a Variant of Uncertain Significance.

Literature cited by the submitters: PubMed 33598457.

NM_015629.4(PRPF31):c.1499G>T (p.Ter500Leu)

Gene: PRPF31 (pre-mRNA processing factor 31; plus strand). Cytogenetic location: 19q13.42.
Variant type: single nucleotide variant.
Coding change: c.1499G>T on transcript NM_015629.4 (MANE Select); coding-DNA position 1499, G replaced by T.
Protein change: p.Ter500Leu.
Molecular consequence: stop lost.
Genome position (GRCh38, 1-based): chr19:54,131,431, G>T. VCF-style: chr19-54131431-G-T. GRCh37 (hg19) VCF-style: chr19-54634862-G-T.
Identifiers: ClinVar variation 3677181 (VCV003677181.2).